The following is an entry in ClinVar:

ClinVar aggregate classification (germline): Uncertain significance (1 of 4 stars; one submission).

Conditions:
Developmental and epileptic encephalopathy, 9 (DEE9). Also called: Early infantile epileptic encephalopathy 9; JUBERG-HELLMAN SYNDROME; PCDH19-Related X-Linked Female-Limited Epilepsy with Mental Retardation; EPILEPSY, FEMALE-RESTRICTED, WITH MENTAL RETARDATION. Identifiers: Orphanet 101039, Orphanet 2076, MedGen C1848137, MONDO:0010246, OMIM 300088. Disease mechanism: loss of function.

Submission:

Labcorp Genetics (formerly Invitae), Labcorp
Classification: Uncertain significance for Developmental and epileptic encephalopathy, 9. Last evaluated: 2020-08-10. Review status: criteria provided, single submitter. Criteria: Invitae Variant Classification Sherloc (09022015). Collection method: clinical testing. Allele origin: germline.
Comment: In summary, the available evidence is currently insufficient to determine the role of this variant in disease. Therefore, it has been classified as a Variant of Uncertain Significance. Advanced modeling of protein sequence and biophysical properties (such as structural, functional, and spatial information, amino acid conservation, physicochemical variation, residue mobility, and thermodynamic stability) performed at Invitae indicates that this missense variant is expected to disrupt PCDH19 protein function. This variant has not been reported in the literature in individuals with PCDH19-related conditions. This variant is not present in population databases (ExAC no frequency). This sequence change replaces glycine with valine at codon 213 of the PCDH19 protein (p.Gly213Val). The glycine residue is highly conserved and there is a moderate physicochemical difference between glycine and valine.

NM_001184880.2(PCDH19):c.638G>T (p.Gly213Val)

Gene: PCDH19 (protocadherin 19; minus strand). Cytogenetic location: Xq22.1.
Variant type: single nucleotide variant.
Coding change: c.638G>T on transcript NM_001184880.2 (MANE Select); coding-DNA position 638, G replaced by T.
Protein change: p.Gly213Val; replaces glycine 213 with valine.
Molecular consequence: missense variant.
Genome position (GRCh38, 1-based): chrX:100,407,960, C>A on the plus strand (G>T on the coding strand, the complement: PCDH19 is on the minus strand). VCF-style: chrX-100407960-C-A. GRCh37 (hg19) VCF-style: chrX-99662958-C-A.
Other names: c.638G>T, p.Gly213Val (NM_001105243.2, NM_020766.3); short protein forms G213V.
Identifiers: ClinVar variation 1034805 (VCV001034805.9), dbSNP rs1928443396, ClinGen allele CA414008897.